The following is an entry in ClinVar:

NM_182914.3(SYNE2):c.16736C>T (p.Thr5579Met)

Gene: SYNE2 (spectrin repeat containing nuclear envelope protein 2; plus strand). Cytogenetic location: 14q23.2.
Variant type: single nucleotide variant.
Coding change: c.16736C>T on transcript NM_182914.3 (MANE Select); coding-DNA position 16736, C replaced by T.
Protein change: p.Thr5579Met; replaces threonine 5579 with methionine.
Molecular consequence: missense variant.
Genome position (GRCh38, 1-based): chr14:64,167,363, C>T. VCF-style: chr14-64167363-C-T. GRCh37 (hg19) VCF-style: chr14-64634081-C-T.
Other names: c.16736C>T, p.Thr5579Met (NM_015180.6); short protein forms T5579M.
Identifiers: ClinVar variation 2436821 (VCV002436821.6), dbSNP rs767671229, ClinGen allele CA7223469.
Genomic context (GRCh38, chr14:64,167,363, plus strand): 5'-CACTTAGTGACGTAGCTGTGAAGACGTTACAAAATATGAACCGGCAATGGATTCGGGCCA[C>T]GGCCACGGCACTGGAGCGCTGCAGGTTAGAACATCCCTTCTCTGTCGTTGTTTCAATTAA-3'
Protein context (NP_878918.2, residues 5569-5589): QNMNRQWIRA[Thr5579Met]ATALERCSEL

ClinVar aggregate classification (germline): Uncertain significance. Review status: criteria provided, multiple submitters, no conflicts (2 of 4 stars). 2 submissions from 2 submitters: Uncertain significance (2). Last evaluated 2024-02-23.

Conditions:
Emery-Dreifuss muscular dystrophy 5, autosomal dominant (EDMD5). Also called: EMERY-DREIFUSS MUSCULAR DYSTROPHY 5. Identifiers: Orphanet 261, MedGen C2751805, MONDO:0013072, OMIM 612999.

Allele frequency attached by ClinVar (database versions not stated): gnomAD 0.00003; TOPMed 0.00003; ExAC 0.00008.
gnomAD v4.1: 35 of 1,614,076 alleles (0.0022%); highest among the groups gnomAD compares: East Asian, 0.018%; no homozygotes.

Submissions (2):

Labcorp Genetics (formerly Invitae), Labcorp
Classification: Uncertain significance for Emery-Dreifuss muscular dystrophy 5, autosomal dominant. Last evaluated: 2024-02-23. Review status: criteria provided, single submitter. Criteria: Invitae Variant Classification Sherloc (09022015). Collection method: clinical testing. Allele origin: germline.
Comment: This sequence change replaces threonine, which is neutral and polar, with methionine, which is neutral and non-polar, at codon 5579 of the SYNE2 protein (p.Thr5579Met). This variant is present in population databases (rs767671229, gnomAD 0.02%). This variant has not been reported in the literature in individuals affected with SYNE2-related conditions. ClinVar contains an entry for this variant (Variation ID: 2436821). Algorithms developed to predict the effect of missense changes on protein structure and function output the following: SIFT: "Not Available"; PolyPhen-2: "Possibly Damaging"; Align-GVGD: "Not Available". The methionine amino acid residue is found in multiple mammalian species, which suggests that this missense change does not adversely affect protein function. In summary, the available evidence is currently insufficient to determine the role of this variant in disease. Therefore, it has been classified as a Variant of Uncertain Significance.

Revvity Omics, Revvity
Classification: Uncertain significance for Emery-Dreifuss muscular dystrophy 5, autosomal dominant. Last evaluated: 2019-06-06. Review status: criteria provided, single submitter. Criteria: ACMG Guidelines, 2015. Collection method: clinical testing. Allele origin: germline.